The following is an entry in ClinVar:

ClinVar aggregate classification (germline): Uncertain significance (1 of 4 stars; one submission).

Conditions:
Tuberous sclerosis 1 (TSC1). Identifiers: Orphanet 805, MedGen C1854465, MONDO:0008612, OMIM 191100.

Submission:

Labcorp Genetics (formerly Invitae), Labcorp
Classification: Uncertain significance for Tuberous sclerosis 1. Last evaluated: 2018-04-28. Review status: criteria provided, single submitter. Criteria: Invitae Variant Classification Sherloc (09022015). Collection method: clinical testing. Allele origin: germline.
Comment: This sequence change replaces proline with arginine at codon 418 of the TSC1 protein (p.Pro418Arg). The proline residue is moderately conserved and there is a moderate physicochemical difference between proline and arginine. In summary, the available evidence is currently insufficient to determine the role of this variant in disease. Therefore, it has been classified as a Variant of Uncertain Significance. Algorithms developed to predict the effect of missense changes on protein structure and function do not agree on the potential impact of this missense change (SIFT: "Tolerated"; PolyPhen-2: "Possibly Damaging"; Align-GVGD: "Class C0"). This variant has not been reported in the literature in individuals with TSC1-related disease. This variant is not present in population databases (ExAC no frequency).

NM_000368.5(TSC1):c.1253C>G (p.Pro418Arg)

Gene: TSC1 (TSC complex subunit 1; minus strand). Cytogenetic location: 9q34.13.
Variant type: single nucleotide variant.
Coding change: c.1253C>G on transcript NM_000368.5 (MANE Select); coding-DNA position 1253, C replaced by G.
Protein change: p.Pro418Arg; replaces proline 418 with arginine.
Molecular consequence: missense variant.
Genome position (GRCh38, 1-based): chr9:132,910,581, G>C on the plus strand (C>G on the coding strand, the complement: TSC1 is on the minus strand). VCF-style: chr9-132910581-G-C. GRCh37 (hg19) VCF-style: chr9-135785968-G-C.
Other names: c.1250C>G, p.Pro417Arg (NM_001162426.2); c.1100C>G, p.Pro367Arg (NM_001162427.2); c.890C>G, p.Pro297Arg (NM_001362177.2); short protein forms P418R, P417R, P367R, P297R.
Identifiers: ClinVar variation 566017 (VCV000566017.8), dbSNP rs997339959, ClinGen allele CA375366748.